The following is an entry in ClinVar:

ClinVar aggregate classification (germline): Likely pathogenic (1 of 4 stars; one submission).

Conditions:
Hereditary cancer-predisposing syndrome. Also called: Tumor predisposition; Hereditary Cancer Syndrome; Hereditary neoplastic syndrome; Neoplastic Syndromes, Hereditary. Identifiers: Orphanet 140162, MedGen C0027672, MeSH D009386, MONDO:0015356.

Submission:

Ambry Genetics
Classification: Likely pathogenic for Hereditary cancer-predisposing syndrome. Last evaluated: 2025-12-23. Review status: criteria provided, single submitter. Criteria: Ambry Variant Classification Scheme 2023. Collection method: clinical testing. Allele origin: germline.
Comment: The c.108+1G>C intronic variant results from a G to C substitution one nucleotide after coding exon 2 of the PALB2 gene. Alterations that disrupt the canonical splice site are expected to result in aberrant splicing. This nucleotide position is highly conserved in available vertebrate species. In silico splice site analysis predicts that this alteration will weaken the native splice donor site; however, direct evidence is insufficient at this time (Ambry internal data). The resulting transcript is predicted to be in-frame and is not expected to trigger nonsense-mediated mRNA decay. RNA studies have demonstrated that another variant at this site (c.108+1G>A) was associated with in-frame exon 2 skipping (Valenzuela-Palomo A et al. J Pathol, 2022 Mar;256:321-334, Ambry internal data). The exact functional effect of the altered amino acid sequence is unknown; however, the impacted region is critical for protein function (Ambry internal data). Based on the majority of available evidence to date, this variant is likely to be pathogenic.

NM_024675.4(PALB2):c.108+1G>C

Gene: PALB2 (partner and localizer of BRCA2; minus strand). Cytogenetic location: 16p12.2.
Variant type: single nucleotide variant.
Coding change: c.108+1G>C on transcript NM_024675.4 (MANE Select); the canonical splice donor site of the intron after coding-DNA position 108, G replaced by C.
Molecular consequence: splice donor variant. On other transcripts: intron variant (4).
Genome position (GRCh38, 1-based): chr16:23,638,069, C>G on the plus strand (G>C on the coding strand, the complement: PALB2 is on the minus strand). VCF-style: chr16-23638069-C-G. GRCh37 (hg19) VCF-style: chr16-23649390-C-G.
Other names: c.-778+1G>C (NM_001407308.1, NM_001407306.1, NM_001407307.1 and 5 more transcripts); c.48+3041G>C (NM_001407314.1); c.-105+3041G>C (NM_001407313.1, NM_001407312.1); c.49-117G>C (NM_001407296.1); c.108+1G>C (NM_001407297.1, NM_001407302.1, NM_001407298.1 and 3 more transcripts).
Identifiers: ClinVar variation 3227980 (VCV003227980.2), dbSNP rs1060499814, ClinGen allele CA395139568.